The following is an entry in ClinVar:

NM_001127222.2(CACNA1A):c.6622C>G (p.Arg2208Gly)

Gene: CACNA1A (calcium voltage-gated channel subunit alpha1 A; minus strand). Cytogenetic location: 19p13.13.
Variant type: single nucleotide variant.
Coding change: c.6622C>G on transcript NM_001127222.2 (MANE Select); coding-DNA position 6622, C replaced by G.
Protein change: p.Arg2208Gly; replaces arginine 2208 with glycine.
Molecular consequence: missense variant.
Genome position (GRCh38, 1-based): chr19:13,208,914, G>C on the plus strand (C>G on the coding strand, the complement: CACNA1A is on the minus strand). VCF-style: chr19-13208914-G-C. GRCh37 (hg19) VCF-style: chr19-13319728-G-C.
Other names: p.Arg2209Gly; c.6640C>G, p.Arg2214Gly (NM_000068.4, NM_023035.3); c.6625C>G, p.Arg2209Gly (NM_001127221.2); c.6631C>G, p.Arg2211Gly (NM_001174080.2); short protein forms R2208G, R2209G, R2211G, R2214G.
Identifiers: ClinVar variation 2575993 (VCV002575993.5), dbSNP rs1329383367, ClinGen allele CA404330501.

ClinVar aggregate classification (germline): Uncertain significance. Review status: criteria provided, multiple submitters, no conflicts (2 of 4 stars). 3 submissions from 3 submitters: Uncertain significance (3). Last evaluated 2025-10-18.

Conditions:
Episodic ataxia type 2 (EA2). Also called: ATAXIA, EPISODIC, WITH NYSTAGMUS; ATAXIA, FAMILIAL PAROXYSMAL; CEREBELLAR ATAXIA, PAROXYSMAL, ACETAZOLAMIDE-RESPONSIVE; CEREBELLOPATHY, HEREDITARY PAROXYSMAL; EPISODIC ATAXIA, NYSTAGMUS-ASSOCIATED; ACETAZOLAMIDE-RESPONSIVE HEREDITARY PAROXYSMAL CEREBELLAR ATAXIA. Identifiers: Orphanet 97, MedGen C1720416, MONDO:0007163, OMIM 108500.
Developmental and epileptic encephalopathy, 42 (DEE42A). Also called: DEVELOPMENTAL AND EPILEPTIC ENCEPHALOPATHY 42A; EPILEPTIC ENCEPHALOPATHY, EARLY INFANTILE, 42A; Epileptic encephalopathy, early infantile, 42. Identifiers: MedGen C4310716, MONDO:0014917, OMIM 617106.

Allele frequency attached by ClinVar (database versions not stated): gnomAD 0.00001; gnomAD exomes 0.00001; TOPMed 0.00001.
gnomAD v4.1: 13 of 1,536,904 alleles (0.00085%); highest among the groups gnomAD compares: South Asian, 0.0012%; no homozygotes.

Submissions (3):

Mayo Clinic Laboratories, Mayo Clinic
Classification: Uncertain significance. Last evaluated: 2025-10-18. Review status: criteria provided, single submitter. Criteria: ACMG Guidelines, 2015. Collection method: clinical testing. Allele origin: germline. Observed: 1 variant allele.
Comment: PM2_supporting

Labcorp Genetics (formerly Invitae), Labcorp
Classification: Uncertain significance for Developmental and epileptic encephalopathy, 42; Episodic ataxia type 2. Last evaluated: 2023-04-29. Review status: criteria provided, single submitter. Criteria: Invitae Variant Classification Sherloc (09022015). Collection method: clinical testing. Allele origin: germline.
Comment: In summary, the available evidence is currently insufficient to determine the role of this variant in disease. Therefore, it has been classified as a Variant of Uncertain Significance. Advanced modeling of protein sequence and biophysical properties (such as structural, functional, and spatial information, amino acid conservation, physicochemical variation, residue mobility, and thermodynamic stability) performed at Invitae indicates that this missense variant is not expected to disrupt CACNA1A protein function. This variant has not been reported in the literature in individuals affected with CACNA1A-related conditions. This variant is not present in population databases (gnomAD no frequency). This sequence change replaces arginine, which is basic and polar, with glycine, which is neutral and non-polar, at codon 2209 of the CACNA1A protein (p.Arg2209Gly).

Institute for Clinical Genetics, University Hospital TU Dresden, University Hospital TU Dresden
Classification: Uncertain significance. Last evaluated: 2023-01-20. Review status: criteria provided, single submitter. Criteria: ACMG Guidelines, 2015. Collection method: clinical testing. Allele origin: germline.
Comment: PM2_SUP, PP2